The following is an entry in ClinVar:

NM_000257.4(MYH7):c.3854-1G>A

Gene: MYH7 (myosin heavy chain 7; minus strand). Cytogenetic location: 14q11.2.
Variant type: single nucleotide variant.
Coding change: c.3854-1G>A on transcript NM_000257.4 (MANE Select); the canonical splice acceptor site of the intron before coding-DNA position 3854, G replaced by A.
Molecular consequence: splice acceptor variant.
Genome position (GRCh38, 1-based): chr14:23,419,296, C>T on the plus strand (G>A on the coding strand, the complement: MYH7 is on the minus strand). VCF-style: chr14-23419296-C-T. GRCh37 (hg19) VCF-style: chr14-23888505-C-T.
Other names: c.3854-1G>A (NM_001407004.1).
Identifiers: ClinVar variation 3071869 (VCV003071869.4), dbSNP rs1892364786, ClinGen allele CA389041819.

ClinVar aggregate classification (germline): Uncertain significance. Review status: criteria provided, multiple submitters, no conflicts (2 of 4 stars). 3 submissions from 3 submitters: Uncertain significance (3). Last evaluated 2025-09-24.

Conditions:
Cardiovascular phenotype. Identifiers: MedGen CN230736.
Hypertrophic cardiomyopathy. Also called: HYPERTROPHIC MYOCARDIOPATHY. Identifiers: Orphanet 217569, MedGen C0007194, MeSH D002312, MONDO:0005045, HP:0001639.
Cardiomyopathy (CMYO). Also called: Cardiomyopathies. Identifiers: Orphanet 167848, MedGen C0878544, MONDO:0004994, HP:0001638. Inheritance: Various modes of inheritance.

Allele frequency attached by ClinVar (database versions not stated): gnomAD exomes below 0.00001.
gnomAD v4.1: 2 of 1,614,170 alleles (0.00012%); highest among the groups gnomAD compares: Non-Finnish European, 0.00017%; no homozygotes.

Submissions (3):

Ambry Genetics
Classification: Uncertain significance for Cardiovascular phenotype. Last evaluated: 2025-09-24. Review status: criteria provided, single submitter. Criteria: Ambry Variant Classification Scheme 2023. Collection method: clinical testing. Allele origin: germline.
Comment: The c.3854-1G>A intronic variant results from a G to A substitution one nucleotide upstream from coding exon 27 of the MYH7 gene. This nucleotide position is highly conserved in available vertebrate species. In silico splice site analysis predicts that this alteration will weaken the native splice acceptor site and will result in the creation or strengthening of a novel splice acceptor site. Alterations that disrupt the canonical splice site are expected to cause aberrant splicing, resulting in an abnormal protein or a transcript that is subject to nonsense-mediated mRNA decay. However, loss of function has not been established as a mechanism of disease. Based on the available evidence, the clinical significance of this alteration remains unclear.

Labcorp Genetics (formerly Invitae), Labcorp
Classification: Uncertain significance for Hypertrophic cardiomyopathy. Last evaluated: 2024-08-06. Review status: criteria provided, single submitter. Criteria: Invitae Variant Classification Sherloc (09022015). Collection method: clinical testing. Allele origin: germline.
Comment: This sequence change affects an acceptor splice site in intron 28 of the MYH7 gene. It is expected to disrupt RNA splicing. Variants that disrupt the donor or acceptor splice site typically lead to a loss of protein function (PMID: 16199547), however the current clinical and genetic evidence is not sufficient to establish whether loss-of-function variants in MYH7 cause disease. This variant is not present in population databases (gnomAD no frequency). This variant has not been reported in the literature in individuals affected with MYH7-related conditions. Algorithms developed to predict the effect of sequence changes on RNA splicing suggest that this variant may disrupt the consensus splice site. In summary, the available evidence is currently insufficient to determine the role of this variant in disease. Therefore, it has been classified as a Variant of Uncertain Significance.

All of Us Research Program, National Institutes of Health
Classification: Uncertain significance for Cardiomyopathy. Last evaluated: 2023-11-30. Review status: criteria provided, single submitter. Criteria: ACMG Guidelines, 2015. Collection method: clinical testing. Allele origin: germline. Inheritance: Autosomal dominant inheritance. Observed: 2 variant alleles, 2 heterozygotes.
Comment: This variant causes a G to A nucleotide substitution at the -1 position of intron 28 of the MYH7 gene. Splice site prediction tools predict that this variant may have a significant impact on RNA splicing. Although this prediction has not been confirmed in published RNA studies, this variant is expected to result in an absent or disrupted protein product. To our knowledge, functional studies have not been reported for this variant. This variant has not been reported in individuals affected with MYH7-related disorders in the literature. This variant has not been identified in the general population by the Genome Aggregation Database (gnomAD). Clinical relevance of loss-of-function MYH7 truncation variants in autosomal dominant cardiovascular disorders is not clearly established. The available evidence is insufficient to determine the role of this variant in disease conclusively. Therefore, this variant is classified as a Variant of Uncertain Significance.

This study involves interpretation of variants in research participants for the purpose of population health screening. Participant phenotype was not available at the time of variant classification. Additional details can be found in publication PMID: 35346344, PMCID: PMC8962531

Literature cited by the submitters: PubMed 16199547 (cited by Labcorp Genetics (formerly Invitae), Labcorp).